The following is an entry in ClinVar:

NM_001165963.4(SCN1A):c.1259C>T (p.Ala420Val)

Gene: SCN1A (sodium voltage-gated channel alpha subunit 1; minus strand). Cytogenetic location: 2q24.3.
Variant type: single nucleotide variant.
Coding change: c.1259C>T on transcript NM_001165963.4 (MANE Select); coding-DNA position 1259, C replaced by T.
Protein change: p.Ala420Val; replaces alanine 420 with valine.
Molecular consequence: missense variant. On other transcripts: 5 prime UTR variant (1), non-coding transcript variant (1).
Genome position (GRCh38, 1-based): chr2:166,046,888, G>A on the plus strand (C>T on the coding strand, the complement: SCN1A is on the minus strand). VCF-style: chr2-166046888-G-A. GRCh37 (hg19) VCF-style: chr2-166903398-G-A.
Other names: NM_001165963.4(SCN1A):c.1259C>T; p.Ala420Val; c.1259C>T, p.Ala420Val (NM_001165964.3, NM_001202435.3, NM_001353948.2 and 10 more transcripts); c.-1167C>T (NM_001353961.2); short protein forms A420V.
Identifiers: ClinVar variation 189996 (VCV000189996.9), dbSNP rs794726826, ClinGen allele CA303506.

ClinVar aggregate classification (germline): Likely pathogenic. Review status: reviewed by expert panel (3 of 4 stars). 3 submissions from 3 submitters: Likely pathogenic (1). 2 of the submissions do not count toward it. Last evaluated 2024-07-30.

Conditions:
Early-infantile DEE. Also called: Early infantile epileptic encephalopathy; Ohtahara syndrome; Early infantile epileptic encephalopathy with suppression bursts. Identifiers: Orphanet 1934, MedGen C0393706, MONDO:0800491.
Generalized epilepsy with febrile seizures plus. Also called: Generalized Epilepsy with Febrile Seizures Plus (GEFS+). Identifiers: Orphanet 36387, MedGen C3502809, MONDO:0018214.
Severe myoclonic epilepsy in infancy (DRVT). Also called: Epileptic encephalopathy, early infantile, 6 (Dravet syndrome); SEVERE MYOCLONIC EPILEPSY OF INFANCY; DEVELOPMENTAL AND EPILEPTIC ENCEPHALOPATHY 6A; Severe Myoclonic Epilepsy in Infancy (SMEI); Dravet syndrome. Identifiers: Orphanet 33069, MedGen C0751122, MONDO:0100135, OMIM 607208.

Submissions (3):

ClinGen Epilepsy Sodium Channel Variant Curation Expert Panel, Clingen
Classification: Likely pathogenic for Generalized epilepsy with febrile seizures plus. Last evaluated: 2024-07-30. Review status: reviewed by expert panel. Criteria: ClinGen EpilepsySCN ACMG Specifications SCN1A V1.0.0. Collection method: curation. Allele origin: germline. Inheritance: Autosomal dominant inheritance.
Comment: The c.1259C>T variant in SCN1A is a missense variant predicted to cause substitution of alanine by valine at amino acid 420 (p.Ala420Val). The variant has been identified as a de novo occurrence with unconfirmed parental relationships in two individuals with a consistent phenotype in the published literature (PMIDs:35696452, 26096185) (PM6_Moderate), and in one individual with seizures and intellectual disability with unknown inheritance (PMID: 22944210) (PS4_Supporting). The variant is absent from the population database, gnomAD v4.0 (PM2_Supporting). A novel missense variant at the corresponding position in the paralogous gene, SCN8A (p.Ala408Thr), has been previously reported (PMID: 26993267), however, >1 novel variant in a paralogous gene is required for PM5 (not met). The computational predictor REVEL gives a score of 0.95, which is above the threshold of 0.773, evidence that correlates with a maximum strength of PP3_Moderate. In summary, this variant meets the criteria to be classified as likely pathogenic for autosomal dominant SCN1A-related disorder based on the ACMG/AMP criteria applied, as specified by the ClinGen Epilepsy Sodium Channel VCEP: PM6_Moderate, PS4_Supporting, PM2_Supporting, PP3_Moderate. (version 1.0; July 23, 2024).

Labcorp Genetics (formerly Invitae), Labcorp
Classification: Pathogenic for Early-infantile DEE. Last evaluated: 2024-03-11. Review status: criteria provided, single submitter. Criteria: Invitae Variant Classification Sherloc (09022015). Collection method: clinical testing. Allele origin: germline. Not counted in ClinVar's aggregate classification.
Comment: This sequence change replaces alanine, which is neutral and non-polar, with valine, which is neutral and non-polar, at codon 420 of the SCN1A protein (p.Ala420Val). This variant is not present in population databases (gnomAD no frequency). This missense change has been observed in individual(s) with autosomal dominant SCN1A-related conditions (PMID: 22944210, 26096185). In at least one individual the variant was observed to be de novo. ClinVar contains an entry for this variant (Variation ID: 189996). Advanced modeling of protein sequence and biophysical properties (such as structural, functional, and spatial information, amino acid conservation, physicochemical variation, residue mobility, and thermodynamic stability) performed at Invitae indicates that this missense variant is expected to disrupt SCN1A protein function with a positive predictive value of 95%. This variant disrupts the p.Ala420 amino acid residue in SCN1A. Other variant(s) that disrupt this residue have been observed in individuals with SCN1A-related conditions (Invitae), which suggests that this may be a clinically significant amino acid residue. For these reasons, this variant has been classified as Pathogenic.

Center for Bioinformatics, Peking University
Classification: Pathogenic for Dravet syndrome. Last evaluated: 2014-12-20. Review status: criteria provided, single submitter. Criteria: Xu et al. (Hum Mutat. 2015). Collection method: research. Allele origin: de novo. Affected: yes. Observed: 1 variant allele. Study: University Clinical Cooperation “985 Project” PKU-2014-1-1. Not counted in ClinVar's aggregate classification.
Comment: Dravet syndrome (DS) probands were recruited from the outpatient and inpatient child neurology units of Peking University First Hospital from 2005 till present. The study was approved by the Ethics Committee of Peking University First Hospital and the Institutional Review Board at Peking University. Participants or their parents provided written informed consent before enrollment. We collected a total of 267 mutations from 255 families with probands diagnosed with DS in China. All probands fulfilled the clinical diagnostic criteria.

Literature cited by the submitters: PubMed 22944210 (cited by Labcorp Genetics (formerly Invitae), Labcorp); PubMed 26096185 (cited by Labcorp Genetics (formerly Invitae), Labcorp).